The following is an entry in ClinVar:

ClinVar aggregate classification (germline): Likely benign (0 of 4 stars; one submission).

Conditions:
CAMTA1-related disorder. Also called: CAMTA1-related condition.

Allele frequency attached by ClinVar (database versions not stated): TOPMed 0.00004; gnomAD 0.00012; ExAC 0.00015; gnomAD exomes 0.00024; 1000 Genomes Project 30x 0.00047; 1000 Genomes Project 0.00060.
gnomAD v4.1: 339 of 1,523,422 alleles (0.022%); highest among the groups gnomAD compares: East Asian, 0.71%; 1 homozygote.

Submission:

PreventionGenetics, part of Exact Sciences
Classification: Likely benign for CAMTA1-related condition. Last evaluated: 2020-09-02. Review status: no assertion criteria provided. Collection method: clinical testing. Allele origin: germline.
Comment: This variant is classified as likely benign based on ACMG/AMP sequence variant interpretation guidelines (Richards et al. 2015 PMID: 25741868, with internal and published modifications).

NM_015215.4(CAMTA1):c.806-5C>T

Gene: CAMTA1 (calmodulin binding transcription activator 1; plus strand). Cytogenetic location: 1p36.23.
Variant type: single nucleotide variant.
Coding change: c.806-5C>T on transcript NM_015215.4 (MANE Select); 5 bases into the intron before coding-DNA position 806, C replaced by T.
Molecular consequence: intron variant.
Genome position (GRCh38, 1-based): chr1:7,663,348, C>T. VCF-style: chr1-7663348-C-T. GRCh37 (hg19) VCF-style: chr1-7723408-C-T.
Other names: c.806-5C>T (NM_001349609.2, NM_001349610.2, NM_001410737.1); c.734-5C>T (NM_001410738.1); c.716-5C>T (NM_001349608.2, NM_001349612.2).
Identifiers: ClinVar variation 3057257 (VCV003057257.2), dbSNP rs142077866, ClinGen allele CA566301.